The following is an entry in ClinVar:

ClinVar aggregate classification (germline): Uncertain significance (1 of 4 stars; one submission).

Allele frequency attached by ClinVar (database versions not stated): gnomAD exomes below 0.00001; ExAC 0.00001.
gnomAD v4.1: 7 of 1,613,978 alleles (0.00043%); highest among the groups gnomAD compares: Non-Finnish European, 0.00051%; no homozygotes.

Submission:

GeneDx
Classification: Uncertain significance. Last evaluated: 2022-05-19. Review status: criteria provided, single submitter. Criteria: GeneDx Variant Classification Process June 2021. Collection method: clinical testing. Allele origin: germline. Affected: yes.
Comment: Not observed at a significant frequency in large population cohorts (gnomAD); In silico analysis supports that this missense variant has a deleterious effect on protein structure/function; Has not been previously published as pathogenic or benign to our knowledge

NM_006922.4(SCN3A):c.5576G>A (p.Arg1859His)

Gene: SCN3A (sodium voltage-gated channel alpha subunit 3; minus strand). Cytogenetic location: 2q24.3.
Variant type: single nucleotide variant.
Coding change: c.5576G>A on transcript NM_006922.4 (MANE Select); coding-DNA position 5576, G replaced by A.
Protein change: p.Arg1859His; replaces arginine 1859 with histidine.
Molecular consequence: missense variant.
Genome position (GRCh38, 1-based): chr2:165,090,577, C>T on the plus strand (G>A on the coding strand, the complement: SCN3A is on the minus strand). VCF-style: chr2-165090577-C-T. GRCh37 (hg19) VCF-style: chr2-165947087-C-T.
Other names: c.5429G>A, p.Arg1810His (NM_001081676.2, NM_001081677.2); short protein forms R1810H, R1859H.
Identifiers: ClinVar variation 1190798 (VCV001190798.4), dbSNP rs778995406, ClinGen allele CA1938384.